The following is an entry in ClinVar:

ClinVar aggregate classification (germline): Uncertain significance (1 of 4 stars; one submission).

gnomAD v4.1: 30 of 1,614,092 alleles (0.0019%); highest among the groups gnomAD compares: Middle Eastern, 0.033%; no homozygotes.

Submission:

Labcorp Genetics (formerly Invitae), Labcorp
Classification: Uncertain significance. Last evaluated: 2025-09-26. Review status: criteria provided, single submitter. Criteria: Invitae Variant Classification Sherloc (09022015). Collection method: clinical testing. Allele origin: germline.
Comment: This sequence change replaces serine, which is neutral and polar, with glycine, which is neutral and non-polar, at codon 129 of the BTRC protein (p.Ser129Gly). This variant is present in population databases (rs768085300, gnomAD 0.007%). This variant has not been reported in the literature in individuals affected with BTRC-related conditions. An algorithm developed to predict the effect of missense changes on protein structure and function (PolyPhen-2) suggests that this variant is likely to be tolerated. In summary, the available evidence is currently insufficient to determine the role of this variant in disease. Therefore, it has been classified as a Variant of Uncertain Significance.

NM_033637.4(BTRC):c.385A>G (p.Ser129Gly)

Gene: BTRC (beta-transducin repeat containing E3 ubiquitin protein ligase; plus strand). Cytogenetic location: 10q24.32.
Variant type: single nucleotide variant.
Coding change: c.385A>G on transcript NM_033637.4 (MANE Select); coding-DNA position 385, A replaced by G.
Protein change: p.Ser129Gly; replaces serine 129 with glycine.
Molecular consequence: missense variant.
Genome position (GRCh38, 1-based): chr10:101,521,699, A>G. VCF-style: chr10-101521699-A-G. GRCh37 (hg19) VCF-style: chr10-103281456-A-G.
Other names: c.307A>G, p.Ser103Gly (NM_001256856.2); c.277A>G, p.Ser93Gly (NM_003939.5); short protein forms S103G, S129G, S93G.
Identifiers: ClinVar variation 4737399 (VCV004737399.1).